The following is an entry in ClinVar:

ClinVar aggregate classification (germline): Pathogenic (1 of 4 stars; one submission).

Conditions:
Hereditary cancer-predisposing syndrome. Also called: Neoplastic Syndromes, Hereditary; Hereditary Cancer Syndrome; Hereditary neoplastic syndrome; Tumor predisposition. Identifiers: Orphanet 140162, MedGen C0027672, MeSH D009386, MONDO:0015356.

Submission:

Ambry Genetics
Classification: Pathogenic for Hereditary cancer-predisposing syndrome. Last evaluated: 2026-04-09. Review status: criteria provided, single submitter. Criteria: Ambry Variant Classification Scheme 2023. Collection method: clinical testing. Allele origin: germline.
Comment: The c.1349delA pathogenic mutation, located in coding exon 9 of the FH gene, results from a deletion of one nucleotide at nucleotide position 1349, causing a translational frameshift with a predicted alternate stop codon (p.N450Mfs*4). This variant occurs at the 3' terminus of the gene, is not expected to trigger nonsense-mediated mRNA decay, and impacts the last 12% of the protein. However, premature stop codons are typically deleterious in nature and a significant portion of the protein is affected (Ambry internal data). This variant is considered to be rare based on population cohorts in the Genome Aggregation Database (gnomAD). Based on the supporting evidence, this variant is interpreted as a disease-causing mutation.

NM_000143.4(FH):c.1349del (p.Asn450fs)

Gene: FH (fumarate hydratase; minus strand). Cytogenetic location: 1q43.
Variant type: Deletion.
Coding change: c.1349del on transcript NM_000143.4 (MANE Select); coding-DNA position 1349, one base deleted (A; older notation c.1349delA).
Protein change: p.Asn450fs; shifts the reading frame from asparagine 450.
Molecular consequence: frameshift variant.
Genome position (GRCh38, 1-based): chr1:241,500,478, T deleted on the plus strand (A on the coding strand, the reverse complement: FH is on the minus strand); the first of 2 consecutive T bases (chr1:241,500,478-241,500,479); deleting either gives the same sequence. VCF-style (leftmost placement, unchanged base first): chr1-241500477-AT-A. GRCh37 (hg19) VCF-style: chr1-241663777-AT-A.
Other names: c.1349delA (NM_000143.3); short protein forms N450fs.
Identifiers: ClinVar variation 4871322 (VCV004871322.1).